The following is an entry in ClinVar:

ClinVar aggregate classification (germline): Uncertain significance (1 of 4 stars; one submission).

Allele frequency attached by ClinVar (database versions not stated): TOPMed below 0.00001; gnomAD 0.00001.
gnomAD v4.1: 1 of 1,610,584 alleles (0.000062%); highest among the groups gnomAD compares: Non-Finnish European, 0.000085%; no homozygotes.

Submission:

CeGaT Center for Human Genetics Tuebingen
Classification: Uncertain significance. Last evaluated: 2023-07-01. Review status: criteria provided, single submitter. Criteria: CeGaT Center For Human Genetics Tuebingen Variant Classification Criteria Version 2. Collection method: clinical testing. Allele origin: germline. Affected: yes. Observed: 1 variant allele.
Comment: RYR1: PM2

NM_000540.3(RYR1):c.1300G>A (p.Ala434Thr)

Gene: RYR1 (ryanodine receptor 1; plus strand). Cytogenetic location: 19q13.2.
Variant type: single nucleotide variant.
Coding change: c.1300G>A on transcript NM_000540.3 (MANE Select); coding-DNA position 1300, G replaced by A.
Protein change: p.Ala434Thr; replaces alanine 434 with threonine.
Molecular consequence: missense variant.
Genome position (GRCh38, 1-based): chr19:38,452,874, G>A. VCF-style: chr19-38452874-G-A. GRCh37 (hg19) VCF-style: chr19-38943514-G-A.
Other names: c.1300G>A, p.Ala434Thr (NM_001042723.2); short protein forms A434T.
Identifiers: ClinVar variation 2649792 (VCV002649792.24), dbSNP rs1193823072, ClinGen allele CA405685586.